The following is an entry in ClinVar:

NM_000254.3(MTR):c.2333C>T (p.Ala778Val)

Gene: MTR (5-methyltetrahydrofolate-homocysteine methyltransferase; plus strand). Cytogenetic location: 1q43.
Variant type: single nucleotide variant.
Coding change: c.2333C>T on transcript NM_000254.3 (MANE Select); coding-DNA position 2333, C replaced by T.
Protein change: p.Ala778Val; replaces alanine 778 with valine.
Molecular consequence: missense variant.
Genome position (GRCh38, 1-based): chr1:236,863,482, C>T. VCF-style: chr1-236863482-C-T. GRCh37 (hg19) VCF-style: chr1-237026782-C-T.
Other names: c.2180C>T, p.Ala727Val (NM_001291939.1); c.1112C>T, p.Ala371Val (NM_001291940.2); short protein forms A371V, A727V, A778V.
Identifiers: ClinVar variation 1434687 (VCV001434687.3), dbSNP rs2103313543, ClinGen allele CA345378358.

ClinVar aggregate classification (germline): Uncertain significance (1 of 4 stars; one submission).

Conditions:
Methylcobalamin deficiency type cblG (HMAG). Also called: HOMOCYSTINURIA-MEGALOBLASTIC ANEMIA, cblG COMPLEMENTATION TYPE; Functional methionine synthase deficiency type cblG; HOMOCYSTINURIA-MEGALOBLASTIC ANEMIA, cblG TYPE; HOMOCYSTINURIA-MEGALOBLASTIC ANEMIA DUE TO DEFECT IN COBALAMIN METABOLISM, cblG COMPLEMENTATION TYPE. Identifiers: Orphanet 2170, Orphanet 622, MedGen C1855128, MONDO:0009609, OMIM 250940.

Submission:

Labcorp Genetics (formerly Invitae), Labcorp
Classification: Uncertain significance for Methylcobalamin deficiency type cblG. Last evaluated: 2021-12-02. Review status: criteria provided, single submitter. Criteria: Invitae Variant Classification Sherloc (09022015). Collection method: clinical testing. Allele origin: germline.
Comment: This sequence change replaces alanine, which is neutral and non-polar, with valine, which is neutral and non-polar, at codon 778 of the MTR protein (p.Ala778Val). This variant is not present in population databases (gnomAD no frequency). This variant has not been reported in the literature in individuals affected with MTR-related conditions. Algorithms developed to predict the effect of missense changes on protein structure and function are either unavailable or do not agree on the potential impact of this missense change (SIFT: "Deleterious"; PolyPhen-2: "Probably Damaging"; Align-GVGD: "Class C0"). In summary, the available evidence is currently insufficient to determine the role of this variant in disease. Therefore, it has been classified as a Variant of Uncertain Significance.